The following is an entry in ClinVar:

NM_003565.4(ULK1):c.3081C>T (p.Ile1027=)

Gene: ULK1 (unc-51 like autophagy activating kinase 1; plus strand). Cytogenetic location: 12q24.33.
Variant type: single nucleotide variant.
Coding change: c.3081C>T on transcript NM_003565.4 (MANE Select); coding-DNA position 3081, C replaced by T.
Protein change: p.Ile1027=; no amino-acid change (isoleucine 1027 retained).
Molecular consequence: synonymous variant.
Genome position (GRCh38, 1-based): chr12:131,921,219, C>T. VCF-style: chr12-131921219-C-T. GRCh37 (hg19) VCF-style: chr12-132405764-C-T.
Identifiers: ClinVar variation 4822036 (VCV004822036.4).

ClinVar aggregate classification (germline): Likely benign (1 of 4 stars; one submission).

gnomAD v4.1: 59 of 1,607,228 alleles (0.0037%); highest among the groups gnomAD compares: African/African-American, 0.0093%; no homozygotes.

Submission:

CeGaT Center for Human Genetics Tuebingen
Classification: Likely benign. Last evaluated: 2026-03-01. Review status: criteria provided, single submitter. Criteria: CeGaT Center For Human Genetics Tuebingen Variant Classification Criteria Version 2. Collection method: clinical testing. Allele origin: germline. Affected: yes. Observed: 1 variant allele.
Comment: ULK1: BP4, BP7